The following is an entry in ClinVar:

NM_000023.4(SGCA):c.388C>T (p.Pro130Ser)

Gene: SGCA (sarcoglycan alpha; plus strand). Cytogenetic location: 17q21.33.
Variant type: single nucleotide variant.
Coding change: c.388C>T on transcript NM_000023.4 (MANE Select); coding-DNA position 388, C replaced by T.
Protein change: p.Pro130Ser; replaces proline 130 with serine.
Molecular consequence: missense variant. On other transcripts: non-coding transcript variant (1).
Genome position (GRCh38, 1-based): chr17:50,168,376, C>T. VCF-style: chr17-50168376-C-T. GRCh37 (hg19) VCF-style: chr17-48245737-C-T.
Other names: c.388C>T, p.Pro130Ser (NM_001135697.3); short protein forms P130S.
Identifiers: ClinVar variation 1941662 (VCV001941662.5), dbSNP rs2509121515, ClinGen allele CA400179774.
Genomic context (GRCh38, chr17:50,168,376, plus strand): 5'-CTTTGCGGGGCAGAGCTGGGGCTGGGTGCAGCCTGAGGTGTCCACCTGGCCTTCCCAGGC[C>T]CCCTGCTGCCATACCAAGCCGAGTTCCTGGTGCGCAGCCACGATGCGGAGGAGGTGCTGC-3'
Protein context (NP_000014.1, residues 120-140): LVLEIGDPEG[Pro130Ser]LLPYQAEFLV

ClinVar aggregate classification (germline): Uncertain significance (1 of 4 stars; one submission).

Conditions:
Autosomal recessive limb-girdle muscular dystrophy type 2D (LGMDR3). Also called: DUCHENNE-LIKE AUTOSOMAL RECESSIVE MUSCULAR DYSTROPHY, TYPE 2; MUSCULAR DYSTROPHY, LIMB-GIRDLE, AUTOSOMAL RECESSIVE 3; ADHALINOPATHY, PRIMARY. Identifiers: Orphanet 62, MedGen C2936332, MONDO:0011968, OMIM 608099. Disease mechanism: Affects gamma-sarcoglycan and also disrupts the integrity of the entire sarcoglycan complex..

Submission:

Labcorp Genetics (formerly Invitae), Labcorp
Classification: Uncertain significance for Autosomal recessive limb-girdle muscular dystrophy type 2D. Last evaluated: 2022-05-31. Review status: criteria provided, single submitter. Criteria: Invitae Variant Classification Sherloc (09022015). Collection method: clinical testing. Allele origin: germline.
Comment: In summary, the available evidence is currently insufficient to determine the role of this variant in disease. Therefore, it has been classified as a Variant of Uncertain Significance. Algorithms developed to predict the effect of missense changes on protein structure and function (SIFT, PolyPhen-2, Align-GVGD) all suggest that this variant is likely to be tolerated. This variant has not been reported in the literature in individuals affected with SGCA-related conditions. This variant is not present in population databases (gnomAD no frequency). This sequence change replaces proline, which is neutral and non-polar, with serine, which is neutral and polar, at codon 130 of the SGCA protein (p.Pro130Ser).